The following is an entry in ClinVar:

NM_001042432.2(CLN3):c.-76-4G>T

Gene: CLN3 (CLN3 lysosomal/endosomal transmembrane protein, battenin; minus strand). Cytogenetic location: 16p12.1.
Variant type: single nucleotide variant.
Coding change: c.-76-4G>T on transcript NM_001042432.2 (MANE Select); 4 bases into the intron before 76 bases upstream of the start codon, G replaced by T.
Molecular consequence: intron variant. On other transcripts: 5 prime UTR variant (4).
Genome position (GRCh38, 1-based): chr16:28,491,839, C>A on the plus strand (G>T on the coding strand, the complement: CLN3 is on the minus strand). VCF-style: chr16-28491839-C-A. GRCh37 (hg19) VCF-style: chr16-28503160-C-A.
Other names: c.-80G>T (NM_000086.2); c.-221G>T (NM_001286105.2); c.-163G>T (NM_001286109.2, NM_001286110.2); c.-76-4G>T (NM_001286104.2).
Identifiers: ClinVar variation 205091 (VCV000205091.1), dbSNP rs796052334, ClinGen allele CA313710.

ClinVar aggregate classification (germline): Benign (1 of 4 stars; one submission).

Allele frequency attached by ClinVar (database versions not stated): gnomAD 0.00001 and 0.00003; TOPMed 0.00001; gnomAD exomes 0.00003.
gnomAD v4.1: 48 of 1,549,712 alleles (0.0031%); highest among the groups gnomAD compares: South Asian, 0.033%; 1 homozygote.

Submission:

GeneDx
Classification: Benign. Last evaluated: 2015-01-02. Review status: criteria provided, single submitter. Criteria: GeneDx Variant Classification (06012015). Collection method: clinical testing. Allele origin: germline. Affected: yes.
Comment: This variant is considered likely benign or benign based on one or more of the following criteria: it is a conservative change, it occurs at a poorly conserved position in the protein, it is predicted to be benign by multiple in silico algorithms, and/or has population frequency not consistent with disease.